The following is an entry in ClinVar:

ClinVar aggregate classification (germline): Uncertain significance. Review status: criteria provided, multiple submitters, no conflicts (2 of 4 stars). 3 submissions from 3 submitters: Uncertain significance (3). Last evaluated 2025-07-31.

Conditions:
Cardiovascular phenotype. Identifiers: MedGen CN230736.
Myofibrillar myopathy 5. Also called: Filaminopathy (type); FILAMINOPATHY, AUTOSOMAL DOMINANT. Identifiers: Orphanet 171445, MedGen C1836050, MONDO:0012289, OMIM 609524.
Distal myopathy with posterior leg and anterior hand involvement. Also called: WILLIAMS DISTAL MYOPATHY. Identifiers: Orphanet 63273, MedGen C3279722, MONDO:0013550, OMIM 614065.
Hypertrophic cardiomyopathy 26. Also called: Cardiomyopathy, familial hypertrophic, 26. Identifiers: Orphanet 75249, MedGen C4310749, MONDO:0014883, OMIM 617047.

Allele frequency attached by ClinVar (database versions not stated): gnomAD 0.00001; TOPMed 0.00001.
gnomAD v4.1: 11 of 1,613,928 alleles (0.00068%); highest among the groups gnomAD compares: East Asian, 0.0045%; no homozygotes.

Submissions (3):

Labcorp Genetics (formerly Invitae), Labcorp
Classification: Uncertain significance for Distal myopathy with posterior leg and anterior hand involvement; Myofibrillar myopathy 5; Hypertrophic cardiomyopathy 26. Last evaluated: 2025-07-31. Review status: criteria provided, single submitter. Criteria: Invitae Variant Classification Sherloc (09022015). Collection method: clinical testing. Allele origin: germline.
Comment: This sequence change replaces glycine, which is neutral and non-polar, with serine, which is neutral and polar, at codon 1310 of the FLNC protein (p.Gly1310Ser). This variant is present in population databases (rs767079356, gnomAD 0.005%). This variant has not been reported in the literature in individuals affected with FLNC-related conditions. ClinVar contains an entry for this variant (Variation ID: 1315037). Invitae Evidence Modeling of protein sequence and biophysical properties (such as structural, functional, and spatial information, amino acid conservation, physicochemical variation, residue mobility, and thermodynamic stability) has been performed for this missense variant. However, the output from this modeling did not meet the statistical confidence thresholds required to predict the impact of this variant on FLNC protein function. In summary, the available evidence is currently insufficient to determine the role of this variant in disease. Therefore, it has been classified as a Variant of Uncertain Significance.

Ambry Genetics
Classification: Uncertain significance for Cardiovascular phenotype. Last evaluated: 2025-03-25. Review status: criteria provided, single submitter. Criteria: Ambry Variant Classification Scheme 2023. Collection method: clinical testing. Allele origin: germline.
Comment: The p.G1310S variant (also known as c.3928G>A), located in coding exon 22 of the FLNC gene, results from a G to A substitution at nucleotide position 3928. The glycine at codon 1310 is replaced by serine, an amino acid with similar properties. This amino acid position is conserved. In addition, this alteration is predicted to be deleterious by in silico analysis. Since supporting evidence is limited at this time, the clinical significance of this alteration remains unclear.

GeneDx
Classification: Uncertain significance. Last evaluated: 2020-01-27. Review status: criteria provided, single submitter. Criteria: GeneDx Variant Classification Process June 2021. Collection method: clinical testing. Allele origin: germline. Affected: yes.
Comment: Has not been previously published as pathogenic or benign to our knowledge; In silico analysis, which includes protein predictors and evolutionary conservation, supports a deleterious effect

NM_001458.5(FLNC):c.3928G>A (p.Gly1310Ser)

Gene: FLNC (filamin C; plus strand). Cytogenetic location: 7q32.1.
Variant type: single nucleotide variant.
Coding change: c.3928G>A on transcript NM_001458.5 (MANE Select); coding-DNA position 3928, G replaced by A.
Protein change: p.Gly1310Ser; replaces glycine 1310 with serine.
Molecular consequence: missense variant.
Genome position (GRCh38, 1-based): chr7:128,846,127, G>A. VCF-style: chr7-128846127-G-A. GRCh37 (hg19) VCF-style: chr7-128486181-G-A.
Other names: c.3928G>A, p.Gly1310Ser (NM_001127487.2); short protein forms G1310S.
Identifiers: ClinVar variation 1315037 (VCV001315037.9), dbSNP rs767079356, ClinGen allele CA4475177.